The following is an entry in ClinVar:

ClinVar aggregate classification (germline): Uncertain significance (1 of 4 stars; one submission).

Conditions:
Developmental and epileptic encephalopathy, 37 (DEE37). Also called: Epileptic encephalopathy, early infantile, 37. Identifiers: MedGen C4310770, MONDO:0014859, OMIM 616981.

Allele frequency attached by ClinVar (database versions not stated): gnomAD exomes below 0.00001.
gnomAD v4.1: 2 of 1,333,582 alleles (0.00015%); highest among the groups gnomAD compares: South Asian, 0.0041%; no homozygotes.

Submission:

Labcorp Genetics (formerly Invitae), Labcorp
Classification: Uncertain significance for Developmental and epileptic encephalopathy, 37. Last evaluated: 2021-11-29. Review status: criteria provided, single submitter. Criteria: Invitae Variant Classification Sherloc (09022015). Collection method: clinical testing. Allele origin: germline.
Comment: In summary, the available evidence is currently insufficient to determine the role of this variant in disease. Therefore, it has been classified as a Variant of Uncertain Significance. Algorithms developed to predict the effect of missense changes on protein structure and function (SIFT, PolyPhen-2, Align-GVGD) all suggest that this variant is likely to be tolerated. This variant has not been reported in the literature in individuals affected with FRRS1L-related conditions. This variant is not present in population databases (gnomAD no frequency). This sequence change replaces arginine, which is basic and polar, with proline, which is neutral and non-polar, at codon 109 of the FRRS1L protein (p.Arg109Pro).

NM_014334.4(FRRS1L):c.173G>C (p.Arg58Pro)

Gene: FRRS1L (ferric chelate reductase 1 like; minus strand). Cytogenetic location: 9q31.3.
Variant type: single nucleotide variant.
Coding change: c.173G>C on transcript NM_014334.4 (MANE Select); coding-DNA position 173, G replaced by C.
Protein change: p.Arg58Pro; replaces arginine 58 with proline.
Molecular consequence: missense variant.
Genome position (GRCh38, 1-based): chr9:109,166,966, C>G on the plus strand (G>C on the coding strand, the complement: FRRS1L is on the minus strand). VCF-style: chr9-109166966-C-G. GRCh37 (hg19) VCF-style: chr9-111929246-C-G.
Other names: short protein forms R58P.
Identifiers: ClinVar variation 1395661 (VCV001395661.6), dbSNP rs2118522984, ClinGen allele CA374430356.